The following is an entry in ClinVar:

NM_000404.4(GLB1):c.905G>C (p.Ser302Thr)

Gene: GLB1 (galactosidase beta 1; minus strand). Cytogenetic location: 3p22.3.
Variant type: single nucleotide variant.
Coding change: c.905G>C on transcript NM_000404.4 (MANE Select); coding-DNA position 905, G replaced by C.
Protein change: p.Ser302Thr; replaces serine 302 with threonine.
Molecular consequence: missense variant.
Genome position (GRCh38, 1-based): chr3:33,051,892, C>G on the plus strand (G>C on the coding strand, the complement: GLB1 is on the minus strand). VCF-style: chr3-33051892-C-G. GRCh37 (hg19) VCF-style: chr3-33093384-C-G.
Other names: c.1049G>C, p.Ser350Thr (NM_001317040.2); c.905G>C, p.Ser302Thr (NM_001393580.1); c.815G>C, p.Ser272Thr (NM_001079811.3); c.512G>C, p.Ser171Thr (NM_001135602.3); short protein forms S272T, S171T, S350T, S302T.
Identifiers: ClinVar variation 1977790 (VCV001977790.2), dbSNP rs2125523018, ClinGen allele CA352001190.

ClinVar aggregate classification (germline): Uncertain significance (1 of 4 stars; one submission).

Conditions:
GM1 gangliosidosis. Identifiers: Orphanet 354, MedGen C0085131, MONDO:0018149.
Mucopolysaccharidosis, MPS-IV-B (MPS4B). Also called: Mucopolysaccharidosis type IV B; Mucopolysaccharidosis type 4B; MORQUIO SYNDROME B; Mucopolysaccharidosis type IVB (Morquio); MPS IVB; Mucopolysaccharidosis Type IVB. Identifiers: Orphanet 309310, Orphanet 582, MedGen C0086652, MONDO:0009660, OMIM 253010.

Submission:

Labcorp Genetics (formerly Invitae), Labcorp
Classification: Uncertain significance for Mucopolysaccharidosis, MPS-IV-B; GM1 gangliosidosis. Last evaluated: 2022-09-20. Review status: criteria provided, single submitter. Criteria: Invitae Variant Classification Sherloc (09022015). Collection method: clinical testing. Allele origin: germline.
Comment: This sequence change replaces serine, which is neutral and polar, with threonine, which is neutral and polar, at codon 302 of the GLB1 protein (p.Ser302Thr). This variant is not present in population databases (gnomAD no frequency). This variant has not been reported in the literature in individuals affected with GLB1-related conditions. Algorithms developed to predict the effect of missense changes on protein structure and function (SIFT, PolyPhen-2, Align-GVGD) all suggest that this variant is likely to be tolerated. In summary, the available evidence is currently insufficient to determine the role of this variant in disease. Therefore, it has been classified as a Variant of Uncertain Significance.